The following is an entry in ClinVar:

ClinVar aggregate classification (germline): Uncertain significance (1 of 4 stars; one submission).

Conditions:
Hereditary cancer-predisposing syndrome. Also called: Neoplastic Syndromes, Hereditary; Tumor predisposition; Hereditary Cancer Syndrome; Hereditary neoplastic syndrome. Identifiers: Orphanet 140162, MedGen C0027672, MeSH D009386, MONDO:0015356.

Submission:

Ambry Genetics
Classification: Uncertain significance for Hereditary cancer-predisposing syndrome. Last evaluated: 2026-04-23. Review status: criteria provided, single submitter. Criteria: Ambry Variant Classification Scheme 2023. Collection method: clinical testing. Allele origin: germline.
Comment: The p.P1144R variant (also known as c.3431C>G), located in coding exon 28 of the EGFR gene, results from a C to G substitution at nucleotide position 3431. The proline at codon 1144 is replaced by arginine, an amino acid with dissimilar properties. This amino acid position is conserved. In addition, the in silico prediction for this alteration is inconclusive. Based on the available evidence, the clinical significance of this variant remains unclear.

NM_005228.5(EGFR):c.3431C>G (p.Pro1144Arg)

Gene: EGFR (epidermal growth factor receptor; plus strand). Cytogenetic location: 7p11.2.
Variant type: single nucleotide variant.
Coding change: c.3431C>G on transcript NM_005228.5 (MANE Select); coding-DNA position 3431, C replaced by G.
Protein change: p.Pro1144Arg; replaces proline 1144 with arginine.
Molecular consequence: missense variant.
Genome position (GRCh38, 1-based): chr7:55,205,415, C>G. VCF-style: chr7-55205415-C-G. GRCh37 (hg19) VCF-style: chr7-55273108-C-G.
Other names: c.3296C>G, p.Pro1099Arg (NM_001346899.2); c.3272C>G, p.Pro1091Arg (NM_001346900.2); c.2630C>G, p.Pro877Arg (NM_001346941.2); short protein forms P1091R, P1099R, P1144R, P877R.
Identifiers: ClinVar variation 4870254 (VCV004870254.1).
Genomic context (GRCh38, chr7:55,205,415, plus strand): 5'-ACTACCAGGACCCCCACAGCACTGCAGTGGGCAACCCCGAGTATCTCAACACTGTCCAGC[C>G]CACCTGTGTCAACAGCACATTCGACAGCCCTGCCCACTGGGCCCAGAAAGGCAGCCACCA-3'
Protein context (NP_005219.2, residues 1134-1154): GNPEYLNTVQ[Pro1144Arg]TCVNSTFDSP